The following is an entry in ClinVar:

NM_006440.5(TXNRD2):c.1431T>A (p.Phe477Leu)

Gene: TXNRD2 (thioredoxin reductase 2; minus strand). Cytogenetic location: 22q11.21.
Variant type: single nucleotide variant.
Coding change: c.1431T>A on transcript NM_006440.5 (MANE Select); coding-DNA position 1431, T replaced by A.
Protein change: p.Phe477Leu; replaces phenylalanine 477 with leucine.
Molecular consequence: missense variant. On other transcripts: non-coding transcript variant (1).
Genome position (GRCh38, 1-based): chr22:19,878,104, A>T on the plus strand (T>A on the coding strand, the complement: TXNRD2 is on the minus strand). VCF-style: chr22-19878104-A-T. GRCh37 (hg19) VCF-style: chr22-19865627-A-T.
Other names: c.1428T>A, p.Phe476Leu (NM_001352300.2); c.1341T>A, p.Phe447Leu (NM_001352301.2); c.1143T>A, p.Phe381Leu (NM_001352302.2); short protein forms F476L, F447L, F477L, F381L.
Identifiers: ClinVar variation 1772517 (VCV001772517.2), dbSNP rs2517268954, ClinGen allele CA410691716.

ClinVar aggregate classification (germline): Uncertain significance (1 of 4 stars; one submission).

Conditions:
Cardiovascular phenotype. Identifiers: MedGen CN230736.

Allele frequency attached by ClinVar (database versions not stated): gnomAD exomes below 0.00001.
gnomAD v4.1: 2 of 1,613,530 alleles (0.00012%); highest among the groups gnomAD compares: Non-Finnish European, 0.00017%; no homozygotes.

Submission:

Ambry Genetics
Classification: Uncertain significance for Cardiovascular phenotype. Last evaluated: 2022-02-11. Review status: criteria provided, single submitter. Criteria: Ambry Variant Classification Scheme 2023. Collection method: clinical testing. Allele origin: germline.
Comment: The p.F477L variant (also known as c.1431T>A), located in coding exon 16 of the TXNRD2 gene, results from a T to A substitution at nucleotide position 1431. The phenylalanine at codon 477 is replaced by leucine, an amino acid with highly similar properties. This amino acid position is conserved. In addition, this alteration is predicted to be deleterious by in silico analysis. Since supporting evidence is limited at this time, the clinical significance of this alteration remains unclear.